The following is an entry in ClinVar:

ClinVar aggregate classification (germline): Uncertain significance (1 of 4 stars; one submission).

Conditions:
Fanconi anemia complementation group J. Also called: BRIP1-Related Fanconi Anemia. Identifiers: Orphanet 84, MedGen C1836860, MONDO:0012187, OMIM 609054.
Familial cancer of breast. Also called: BREAST CANCER, FAMILIAL; hereditary breast carcinoma; Hereditary breast cancer. Identifiers: Orphanet 227535, MedGen C0346153, MONDO:0016419, OMIM 114480. Disease mechanism: loss of function.

Allele frequency attached by ClinVar (database versions not stated): gnomAD exomes below 0.00001; ExAC 0.00001.
gnomAD v4.1: 1 of 1,613,618 alleles (0.000062%); no homozygotes.

Submission:

Labcorp Genetics (formerly Invitae), Labcorp
Classification: Uncertain significance for Familial cancer of breast; Fanconi anemia complementation group J. Last evaluated: 2017-06-12. Review status: criteria provided, single submitter. Criteria: Invitae Variant Classification Sherloc (09022015). Collection method: clinical testing. Allele origin: germline.
Comment: This sequence change replaces aspartic acid with asparagine at codon 1208 of the BRIP1 protein (p.Asp1208Asn). The aspartic acid residue is weakly conserved and there is a small physicochemical difference between aspartic acid and asparagine. This variant is present in population databases (rs760589795, ExAC 0.002%). This variant has not been reported in the literature in individuals with a BRIP1-related disease. Algorithms developed to predict the effect of missense changes on protein structure and function output the following: SIFT: "Tolerated"; PolyPhen-2: "Benign"; Align-GVGD: "Class C0". The asparagine amino acid residue is found in multiple mammalian species, suggesting that this missense change does not adversely affect protein function. These predictions have not been confirmed by published functional studies and their clinical significance is uncertain. In summary, this variant has uncertain impact on BRIP1 function. The available evidence is currently insufficient to determine its role in disease. Therefore, it has been classified as a Variant of Uncertain Significance.

NM_032043.3(BRIP1):c.3622G>A (p.Asp1208Asn)

Gene: BRIP1 (BRCA1 interacting DNA helicase 1; minus strand). Cytogenetic location: 17q23.2.
Variant type: single nucleotide variant.
Coding change: c.3622G>A on transcript NM_032043.3 (MANE Select); coding-DNA position 3622, G replaced by A.
Protein change: p.Asp1208Asn; replaces aspartic acid 1208 with asparagine.
Molecular consequence: missense variant.
Genome position (GRCh38, 1-based): chr17:61,683,424, C>T on the plus strand (G>A on the coding strand, the complement: BRIP1 is on the minus strand). VCF-style: chr17-61683424-C-T. GRCh37 (hg19) VCF-style: chr17-59760785-C-T.
Other names: short protein forms D1208N.
Identifiers: ClinVar variation 461159 (VCV000461159.9), dbSNP rs760589795, ClinGen allele CA8690347.
Genomic context (GRCh38, chr17:61,683,424, plus strand): 5'-CATGAGTTTTTCCCAGTTCCAGTTCATTTATCCAAGTTGTTTTTACATTACCATCAATGT[C>T]ATCAATTTTACTTTCTTCAATATGCAGAATTCCATTCAACTTTGTATCTATGCAATCCTC-3'
Protein context (NP_114432.2, residues 1198-1218): ILHIEESKID[Asp1208Asn]IDGNVKTTWI